The following is an entry in ClinVar:

GRCh38/hg38 10q24.2-24.32(chr10:99943766-102573835)x1

Genes: ACTR1A (actin related protein 1A; minus strand), ARMH3 (armadillo like helical domain containing 3; minus strand), BLOC1S2 (biogenesis of lysosomal organelles complex 1 subunit 2; minus strand), BTRC (beta-transducin repeat containing E3 ubiquitin protein ligase; plus strand), C10orf95 (chromosome 10 open reading frame 95; minus strand) and 198 more. Cytogenetic location: 10q24.2-24.32.
Variant type: copy number loss.
Change: copy number 1 (one copy instead of two) of chr10:99,943,766-102,573,835 (2.63 Mb, GRCh38 coordinates, 1-based), cytogenetic band 10q24.2-24.32.
Identifiers: ClinVar variation 4890968 (VCV004890968.1).

ClinVar aggregate classification (germline): Pathogenic (1 of 4 stars; one submission).

Submission:

Clinical Genomics Laboratory, Laboratory for Precision Diagnostics, University of Washington
Classification: Pathogenic. Last evaluated: 2023-12-13. Review status: criteria provided, single submitter. Criteria: ACMG/ClinGen CNV Guidelines, 2019. Collection method: clinical testing. Allele origin: unknown. Affected: yes. Observed: 1 variant allele.
Comment: This interstitial deletion is 2.63 Mb in size and contains 47 protein-coding genes, including PAX2, FGF8, NFKB2, and the first three exons of SUFU. There are also several genes in this region that are associated with autosomal recessive conditions. Heterozygous loss-of-function variants in PAX2 cause PAX2-related disorder (NBK:1451), a condition that causes kidney and eye abnormalities. Heterozygous loss-of-function variants in FGF8 are associated with hypogonadotropic hypogonadism with or without anosmia, but have also been found in a few cases of holoprosencephaly (PMID: 27363716; PMID: 37842862). Heterozygous loss-of-function variants in SUFU cause a predisposition to medulloblastoma, though this likely did not contribute to the fetal ultrasound abnormalities. Three people with similar, overlapping, deletions have been described. PMID: 22361651 detected a de novo 3.8 Mb deletion of 10q24.2q24.32 (GRCh38 chr10:98,188,512-101,981,570) in a person who, at birth, had a left-sided cleft lip, pendular nystagus, pes calcaneus on both sides, bilateral renal hypoplasia and cysts, and bilateral undescended testes. PMID: 25257335 described a baby with a de novo 5.54 Mb deletion of 10q24.31-q25.1 (GRCh38 chr10:100490518-106028030). Head circumference was at the 2nd centile at birth, and the baby had bilateral fifth finger clinodactyly and proximally placed thumbs. A postnatal MRI was consistent with lobar holoprosencephaly. A de novo 2.8 Mb deletion of 10q24.32q25.1 (GRCh38 chr10:101,445,394-104,229,906) was found by PMID: 33560739 in a person with a median cleft lip and palate and diaphragmatic hernia at birth. The patient also had a single central incisor, pyloric obstruction, severe cognitive disability with absent speech, short stature, and distinctive facial features.

Literature cited by the submitters: PubMed 27363716; PubMed 22361651; PubMed 33560739; PubMed 25257335; PubMed 37842862.